The following is an entry in ClinVar:

NM_001353345.2(SETD1B):c.1646A>G (p.Asn549Ser)

Gene: SETD1B (SET domain containing 1B, histone lysine methyltransferase; plus strand). Cytogenetic location: 12q24.31.
Variant type: single nucleotide variant.
Coding change: c.1646A>G on transcript NM_001353345.2 (MANE Select); coding-DNA position 1646, A replaced by G.
Protein change: p.Asn549Ser; replaces asparagine 549 with serine.
Molecular consequence: missense variant.
Genome position (GRCh38, 1-based): chr12:121,810,591, A>G. VCF-style: chr12-121810591-A-G. GRCh37 (hg19) VCF-style: chr12-122248497-A-G.
Other names: NM_015048.1:c.1646A>G; short protein forms N549S.
Identifiers: ClinVar variation 2229479 (VCV002229479.2), dbSNP rs920579815, ClinGen allele CA244637156.

ClinVar aggregate classification (germline): Uncertain significance (1 of 4 stars; one submission).

Conditions:
Inborn genetic diseases. Identifiers: MedGen C0950123, MeSH D030342.

Allele frequency attached by ClinVar (database versions not stated): TOPMed 0.00002; gnomAD 0.00003.
gnomAD v4.1: 12 of 1,547,330 alleles (0.00078%); highest among the groups gnomAD compares: African/African-American, 0.011%; no homozygotes.

Submission:

Ambry Genetics
Classification: Uncertain significance for Inborn genetic diseases. Last evaluated: 2021-02-19. Review status: criteria provided, single submitter. Criteria: Ambry Variant Classification Scheme 2023. Collection method: clinical testing. Allele origin: germline.
Comment: The c.1646A>G (p.N549S) alteration is located in exon 5 (coding exon 5) of the SETD1B gene. This alteration results from a A to G substitution at nucleotide position 1646, causing the asparagine (N) at amino acid position 549 to be replaced by a serine (S). The p.N549S alteration is predicted to be tolerated by in silico analysis. Based on insufficient or conflicting evidence, the clinical significance of this alteration remains unclear.